The following is an entry in ClinVar:

NM_001142800.2(EYS):c.5573T>C (p.Leu1858Pro)

Gene: EYS (eyes shut homolog; minus strand). Cytogenetic location: 6q12.
Variant type: single nucleotide variant.
Coding change: c.5573T>C on transcript NM_001142800.2 (MANE Select); coding-DNA position 5573, T replaced by C.
Protein change: p.Leu1858Pro; replaces leucine 1858 with proline.
Molecular consequence: missense variant.
Genome position (GRCh38, 1-based): chr6:64,590,294, A>G on the plus strand (T>C on the coding strand, the complement: EYS is on the minus strand). VCF-style: chr6-64590294-A-G. GRCh37 (hg19) VCF-style: chr6-65300187-A-G.
Other names: c.5573T>C, p.Leu1858Pro (NM_001292009.2); short protein forms L1858P.
Identifiers: ClinVar variation 1722897 (VCV001722897.2), dbSNP rs2533148819, ClinGen allele CA364780804.

ClinVar aggregate classification (germline): Uncertain significance (1 of 4 stars; one submission).

Submission:

GeneDx
Classification: Uncertain significance. Last evaluated: 2022-05-05. Review status: criteria provided, single submitter. Criteria: GeneDx Variant Classification Process June 2021. Collection method: clinical testing. Allele origin: germline. Affected: yes.
Comment: Not observed at significant frequency in large population cohorts (gnomAD); In silico analysis supports that this missense variant does not alter protein structure/function; Has not been previously published as pathogenic or benign to our knowledge